The following is an entry in ClinVar:

NM_001369.3(DNAH5):c.8410A>G (p.Met2804Val)

Gene: DNAH5 (dynein axonemal heavy chain 5; minus strand). Cytogenetic location: 5p15.2.
Variant type: single nucleotide variant.
Coding change: c.8410A>G on transcript NM_001369.3 (MANE Select); coding-DNA position 8410, A replaced by G.
Protein change: p.Met2804Val; replaces methionine 2804 with valine.
Molecular consequence: missense variant.
Genome position (GRCh38, 1-based): chr5:13,792,032, T>C on the plus strand (A>G on the coding strand, the complement: DNAH5 is on the minus strand). VCF-style: chr5-13792032-T-C. GRCh37 (hg19) VCF-style: chr5-13792141-T-C.
Other names: short protein forms M2804V.
Identifiers: ClinVar variation 861170 (VCV000861170.11), dbSNP rs199629940, ClinGen allele CA3202831.
Genomic context (GRCh38, chr5:13,792,032, plus strand): 5'-TTCTTTCTTCAGTGTCACTTACATTTGGTTCCTTGATGACCTCTGAAGTAGTGTTCAGCA[T>C]TCCCTGCCAGACCCGAGAAAGATCTCGTAGGTTAAACACATAATGGAATTTTGCAGGGGT-3'
Protein context (NP_001360.1, residues 2794-2814): LRDLSRVWQG[Met2804Val]LNTTSEVIKE

ClinVar aggregate classification (germline): Uncertain significance. Review status: criteria provided, multiple submitters, no conflicts (2 of 4 stars). 3 submissions from 3 submitters: Uncertain significance (2). 1 of the submissions does not count toward it. Last evaluated 2024-01-09.

Conditions:
Primary ciliary dyskinesia. Also called: Ciliary dyskinesia. Identifiers: Orphanet 244, MedGen C0008780, MONDO:0016575, HP:0012265.

Allele frequency attached by ClinVar (database versions not stated): gnomAD exomes below 0.00001; ExAC 0.00001; TOPMed 0.00003.
gnomAD v4.1: 19 of 1,613,968 alleles (0.0012%); highest among the groups gnomAD compares: Admixed American, 0.0017%; no homozygotes.

Submissions (3):

Blueprint Genetics
Classification: Uncertain significance. Last evaluated: 2024-01-09. Review status: criteria provided, single submitter. Criteria: ACMG Guidelines, 2015. Collection method: clinical testing. Allele origin: germline.

Labcorp Genetics (formerly Invitae), Labcorp
Classification: Uncertain significance for Primary ciliary dyskinesia. Last evaluated: 2021-08-31. Review status: criteria provided, single submitter. Criteria: Invitae Variant Classification Sherloc (09022015). Collection method: clinical testing. Allele origin: germline.
Comment: This sequence change replaces methionine with valine at codon 2804 of the DNAH5 protein (p.Met2804Val). The methionine residue is highly conserved and there is a small physicochemical difference between methionine and valine. This variant is present in population databases (rs199629940, ExAC 0.002%). This variant has not been reported in the literature in individuals affected with DNAH5-related conditions. Algorithms developed to predict the effect of missense changes on protein structure and function are either unavailable or do not agree on the potential impact of this missense change (SIFT: "Deleterious"; PolyPhen-2: "Benign"; Align-GVGD: "Class C0"). In summary, the available evidence is currently insufficient to determine the role of this variant in disease. Therefore, it has been classified as a Variant of Uncertain Significance.

Natera, Inc.
Classification: Uncertain significance for Primary ciliary dyskinesia. Last evaluated: 2020-09-11. Review status: no assertion criteria provided. Collection method: clinical testing. Allele origin: germline. Not counted in ClinVar's aggregate classification.